The following is an entry in ClinVar:

NM_004415.4(DSP):c.2793+1G>T

Gene: DSP (desmoplakin; plus strand). Cytogenetic location: 6p24.3.
Variant type: single nucleotide variant.
Coding change: c.2793+1G>T on transcript NM_004415.4 (MANE Select); the canonical splice donor site of the intron after coding-DNA position 2793, G replaced by T.
Molecular consequence: splice donor variant.
Genome position (GRCh38, 1-based): chr6:7,576,457, G>T. VCF-style: chr6-7576457-G-T. GRCh37 (hg19) VCF-style: chr6-7576690-G-T.
Other names: c.2793+1G>T (NM_001319034.2, NM_001008844.3).
Identifiers: ClinVar variation 534280 (VCV000534280.10), dbSNP rs1554107741, ClinGen allele CA362682147.

ClinVar aggregate classification (germline): Likely pathogenic. Review status: criteria provided, multiple submitters, no conflicts (2 of 4 stars). 2 submissions from 2 submitters: Likely pathogenic (2). Last evaluated 2024-12-10.

Conditions:
Arrhythmogenic cardiomyopathy with wooly hair and keratoderma. Also called: PALMOPLANTAR KERATODERMA WITH LEFT VENTRICULAR CARDIOMYOPATHY AND WOOLLY HAIR; Carvajal syndrome; Dilated cardiomyopathy with woolly hair and keratoderma; Arrhythmogenic cardiomyopathy with woolly hair and keratoderma. Identifiers: Orphanet 65282, MedGen C1854063, MONDO:0011581, OMIM 605676.
Arrhythmogenic right ventricular dysplasia 8 (ARVD8). Also called: Arrhythmogenic Right Ventricular Dysplasia/Cardiomyopathy 8; ARRHYTHMOGENIC RIGHT VENTRICULAR DYSPLASIA, FAMILIAL, 8; ARRHYTHMOGENIC RIGHT VENTRICULAR CARDIOMYOPATHY 8. Identifiers: MedGen C1843896, MONDO:0011831, OMIM 607450.

Submissions (2):

GeneDx
Classification: Likely pathogenic. Last evaluated: 2024-12-10. Review status: criteria provided, single submitter. Criteria: GeneDx Variant Classification Process June 2021. Collection method: clinical testing. Allele origin: germline. Affected: yes.
Comment: Identified in a patient with arrhythmogenic cardiomyopathy in published literature (PMID: 35819174); Not observed at significant frequency in large population cohorts (gnomAD); Canonical splice site variant predicted to result in a null allele in a gene for which loss of function is a known mechanism of disease; This variant is associated with the following publications: (PMID: 35819174)

Labcorp Genetics (formerly Invitae), Labcorp
Classification: Likely pathogenic for Arrhythmogenic cardiomyopathy with wooly hair and keratoderma; Arrhythmogenic right ventricular dysplasia 8. Last evaluated: 2022-07-26. Review status: criteria provided, single submitter. Criteria: Invitae Variant Classification Sherloc (09022015). Collection method: clinical testing. Allele origin: germline.
Comment: This variant has not been reported in the literature in individuals affected with DSP-related conditions. This variant is not present in population databases (gnomAD no frequency). This sequence change affects a donor splice site in intron 19 of the DSP gene. It is expected to disrupt RNA splicing. Variants that disrupt the donor or acceptor splice site typically lead to a loss of protein function (PMID: 16199547), and loss-of-function variants in DSP are known to be pathogenic (PMID: 20716751, 24503780, 25227139). ClinVar contains an entry for this variant (Variation ID: 534280). In summary, the currently available evidence indicates that the variant is pathogenic, but additional data are needed to prove that conclusively. Therefore, this variant has been classified as Likely Pathogenic. Algorithms developed to predict the effect of sequence changes on RNA splicing suggest that this variant may disrupt the consensus splice site.

Literature cited by the submitters: PubMed 16199547 (cited by Labcorp Genetics (formerly Invitae), Labcorp); PubMed 20716751 (cited by Labcorp Genetics (formerly Invitae), Labcorp); PubMed 24503780 (cited by Labcorp Genetics (formerly Invitae), Labcorp); PubMed 25227139 (cited by Labcorp Genetics (formerly Invitae), Labcorp).